The following is an entry in ClinVar:

NM_014989.7(RIMS1):c.2680T>G (p.Ser894Ala)

Gene: RIMS1 (regulating synaptic membrane exocytosis 1; plus strand). Cytogenetic location: 6q13.
Variant type: single nucleotide variant.
Coding change: c.2680T>G on transcript NM_014989.7 (MANE Select); coding-DNA position 2680, T replaced by G.
Protein change: p.Ser894Ala; replaces serine 894 with alanine.
Molecular consequence: missense variant.
Genome position (GRCh38, 1-based): chr6:72,251,350, T>G. VCF-style: chr6-72251350-T-G. GRCh37 (hg19) VCF-style: chr6-72961053-T-G.
Other names: c.1102T>G, p.Ser368Ala (NM_001168407.2, NM_001168408.2, NM_001350414.2 and 37 more transcripts); c.859T>G, p.Ser287Ala (NM_001168409.2, NM_001350461.2, NM_001350463.2 and 6 more transcripts); c.1057T>G, p.Ser353Ala (NM_001168410.2, NM_001350470.2, NM_001350472.2 and 2 more transcripts); c.1033T>G, p.Ser345Ala (NM_001350421.2, NM_001350424.2, NM_001350428.2 and 6 more transcripts); short protein forms S353A, S894A, S287A, S345A, S368A.
Identifiers: ClinVar variation 1034771 (VCV001034771.11), dbSNP rs765767872, ClinGen allele CA3885999.

ClinVar aggregate classification (germline): Conflicting classifications of pathogenicity. Review status: criteria provided, conflicting classifications (1 of 4 stars). 2 submissions from 2 submitters: Uncertain significance (1); Likely benign (1). Last evaluated 2024-07-17.

Allele frequency attached by ClinVar (database versions not stated): gnomAD exomes 0.00003; TOPMed 0.00005; ExAC 0.00006.
gnomAD v4.1: 69 of 1,594,878 alleles (0.0043%); highest among the groups gnomAD compares: Middle Eastern, 0.017%; no homozygotes.

Submissions (2):

Blueprint Genetics
Classification: Likely benign. Last evaluated: 2024-07-17. Review status: criteria provided, single submitter. Criteria: ACMG Guidelines, 2015. Collection method: clinical testing. Allele origin: germline.

Labcorp Genetics (formerly Invitae), Labcorp
Classification: Uncertain significance. Last evaluated: 2024-07-04. Review status: criteria provided, single submitter. Criteria: Invitae Variant Classification Sherloc (09022015). Collection method: clinical testing. Allele origin: germline.
Comment: This sequence change replaces serine, which is neutral and polar, with alanine, which is neutral and non-polar, at codon 894 of the RIMS1 protein (p.Ser894Ala). This variant is present in population databases (rs765767872, gnomAD 0.006%). This variant has not been reported in the literature in individuals affected with RIMS1-related conditions. ClinVar contains an entry for this variant (Variation ID: 1034771). Algorithms developed to predict the effect of missense changes on protein structure and function output the following: SIFT: "Not Available"; PolyPhen-2: "Benign"; Align-GVGD: "Not Available". The alanine amino acid residue is found in multiple mammalian species, which suggests that this missense change does not adversely affect protein function. In summary, the available evidence is currently insufficient to determine the role of this variant in disease. Therefore, it has been classified as a Variant of Uncertain Significance.